The following is an entry in ClinVar:

NM_033305.3(VPS13A):c.9094G>T (p.Glu3032Ter)

Gene: VPS13A (vacuolar protein sorting 13 homolog A; plus strand). Cytogenetic location: 9q21.2.
Variant type: single nucleotide variant.
Coding change: c.9094G>T on transcript NM_033305.3 (MANE Select); coding-DNA position 9094, G replaced by T.
Protein change: p.Glu3032Ter; replaces glutamic acid 3032 with a stop codon.
Molecular consequence: nonsense.
Genome position (GRCh38, 1-based): chr9:77,381,992, G>T. VCF-style: chr9-77381992-G-T. GRCh37 (hg19) VCF-style: chr9-79996908-G-T.
Other names: c.9094G>T (NM_033305.2); c.8977G>T, p.Glu2993Ter (NM_001018037.2); c.9094G>T, p.Glu3032Ter (NM_001018038.3, NM_015186.4); short protein forms E2993*, E3032*.
Identifiers: ClinVar variation 1355990 (VCV001355990.7), dbSNP rs2131614102, ClinGen allele CA373870331.

ClinVar aggregate classification (germline): Pathogenic/Likely pathogenic. Review status: criteria provided, multiple submitters, no conflicts (2 of 4 stars). 2 submissions from 2 submitters: Pathogenic (1); Likely pathogenic (1). Last evaluated 2026-01-20.

Conditions:
VPS13A-related neurodegenerative disease. Also called: VPS13A Disease; LEVINE-CRITCHLEY SYNDROME; Choreoacanthocytosis; Chorea-acanthocytosis; ACANTHOCYTOSIS WITH NEUROLOGIC DISORDER; Choreaacanthocytosis. Identifiers: Orphanet 2388, MedGen C0393576, MONDO:0008695, OMIM 200150.

Submissions (2):

Natera, Inc.
Classification: Likely pathogenic for Choreaacanthocytosis. Last evaluated: 2026-01-20. Review status: criteria provided, single submitter. Criteria: Natera Variant Classification Schema (03/2026). Collection method: clinical testing. Allele origin: germline.
Comment: The c.9094G>T variant in VPS13A is a nonsense variant predicted to introduce a stop codon at amino acid 3032. This variant is expected to result in nonsense mediated decay, truncation, or a dysfunctional protein product. This variant is rare in the general population with a frequency below the threshold expected for the associated phenotype(s). Given the available evidence, this variant is classified as Likely Pathogenic.

Labcorp Genetics (formerly Invitae), Labcorp
Classification: Pathogenic. Last evaluated: 2026-01-06. Review status: criteria provided, single submitter. Criteria: Invitae Variant Classification Sherloc (09022015). Collection method: clinical testing. Allele origin: germline.
Comment: This sequence change creates a premature translational stop signal (p.Glu3032*) in the VPS13A gene. It is expected to result in an absent or disrupted protein product. Loss-of-function variants in VPS13A are known to be pathogenic (PMID: 12404112, 21598378). This variant is not present in population databases (gnomAD no frequency). This variant has not been reported in the literature in individuals affected with VPS13A-related conditions. ClinVar contains an entry for this variant (Variation ID: 1355990). For these reasons, this variant has been classified as Pathogenic.

Literature cited by the submitters: PubMed 12404112 (cited by Labcorp Genetics (formerly Invitae), Labcorp); PubMed 21598378 (cited by Labcorp Genetics (formerly Invitae), Labcorp).